The following is an entry in ClinVar:

ClinVar aggregate classification (germline): Conflicting classifications of pathogenicity. Review status: criteria provided, conflicting classifications (1 of 4 stars). 4 submissions from 4 submitters: Uncertain significance (2); Likely benign (2). Last evaluated 2026-02-09.

Conditions:
Neuronopathy, distal hereditary motor, type 7B. Also called: NEURONOPATHY, DISTAL HEREDITARY MOTOR, AUTOSOMAL DOMINANT 14; NEURONOPATHY, DISTAL HEREDITARY MOTOR, HARDING TYPE VIIB; NEUROPATHY, DISTAL HEREDITARY MOTOR, HARDING TYPE VIIB; NEUROPATHY, DISTAL HEREDITARY MOTOR, WITH VOCAL CORD PARALYSIS, HARDING TYPE VIIB; HMN VIIB; Distal Hereditary Motor Neuronopathy Type 7B (dHMN7B). Identifiers: Orphanet 139589, MedGen C1843315, MONDO:0011879, OMIM 607641.
Perry syndrome. Also called: PARKINSONISM WITH ALVEOLAR HYPOVENTILATION AND MENTAL DEPRESSION. Identifiers: Orphanet 178509, MedGen C1868594, MONDO:0008201, OMIM 168605.
Amyotrophic lateral sclerosis type 1 (ALS1). Also called: AMYOTROPHIC LATERAL SCLEROSIS 1, FAMILIAL. Identifiers: Orphanet 803, MedGen C1862939, MONDO:0007103, OMIM 105400.
DCTN1-related disorder. Also called: DCTN1-related condition.
Inborn genetic diseases. Identifiers: MedGen C0950123, MeSH D030342.

Allele frequency attached by ClinVar (database versions not stated): gnomAD exomes 0.00008 and 0.00006; ESP Exome Variant Server 0.00031; gnomAD 0.00005; TOPMed 0.00006.

Submissions (4):

PreventionGenetics, part of Exact Sciences
Classification: Uncertain significance for DCTN1-related condition. Last evaluated: 2026-02-09. Review status: criteria provided, single submitter. Criteria: ACMG Guidelines, 2015. Collection method: clinical testing. Allele origin: germline.
Comment: The DCTN1 c.446G>A variant is predicted to result in the amino acid substitution p.Arg149Gln. This variant was identified in a cohort of individuals with amyotrophic lateral sclerosis (ALS) and Parkinsonian syndromes, and cell-based studies showed this variant does not significantly impact protein function (Stockmann et al. 2012. PubMed ID: 23143281). This variant is reported in 0.016% of alleles in individuals of South Asian descent in gnomAD. Although we suspect that this variant may be benign, at this time, the clinical significance of this variant is uncertain due to the absence of conclusive functional and genetic evidence.

Labcorp Genetics (formerly Invitae), Labcorp
Classification: Uncertain significance for Amyotrophic lateral sclerosis type 1; Neuronopathy, distal hereditary motor, type 7B; Perry syndrome. Last evaluated: 2025-12-18. Review status: criteria provided, single submitter. Criteria: Invitae Variant Classification Sherloc (09022015). Collection method: clinical testing. Allele origin: germline.
Comment: This sequence change replaces arginine, which is basic and polar, with glutamine, which is neutral and polar, at codon 149 of the DCTN1 protein (p.Arg149Gln). This variant is present in population databases (rs149447433, gnomAD 0.02%). This missense change has been observed in individual(s) with amyotrophic lateral sclerosis (PMID: 23143281). ClinVar contains an entry for this variant (Variation ID: 565725). Invitae Evidence Modeling of protein sequence and biophysical properties (such as structural, functional, and spatial information, amino acid conservation, physicochemical variation, residue mobility, and thermodynamic stability) indicates that this missense variant is not expected to disrupt DCTN1 protein function with a negative predictive value of 95%. Experimental studies have shown that this missense change does not substantially affect DCTN1 function (PMID: 23143281). In summary, the available evidence is currently insufficient to determine the role of this variant in disease. Therefore, it has been classified as a Variant of Uncertain Significance.

Laboratory of Genetics, Children's Clinical University Hospital Latvia
Classification: Likely benign. Last evaluated: 2025-02-16. Review status: criteria provided, single submitter. Criteria: ACMG Guidelines, 2015. Collection method: clinical testing. Allele origin: germline. Affected: yes.

Ambry Genetics
Classification: Likely benign for Inborn genetic diseases. Last evaluated: 2021-11-19. Review status: criteria provided, single submitter. Criteria: Ambry Variant Classification Scheme 2023. Collection method: clinical testing. Allele origin: germline.

Literature cited by the submitters: PubMed 23143281 (cited by Labcorp Genetics (formerly Invitae), Labcorp).

NM_004082.5(DCTN1):c.446G>A (p.Arg149Gln)

Gene: DCTN1 (dynactin subunit 1; minus strand). Cytogenetic location: 2p13.1.
Variant type: single nucleotide variant.
Coding change: c.446G>A on transcript NM_004082.5 (MANE Select); coding-DNA position 446, G replaced by A.
Protein change: p.Arg149Gln; replaces arginine 149 with glutamine.
Molecular consequence: missense variant. On other transcripts: intron variant (2).
Genome position (GRCh38, 1-based): chr2:74,372,935, C>T on the plus strand (G>A on the coding strand, the complement: DCTN1 is on the minus strand). VCF-style: chr2-74372935-C-T. GRCh37 (hg19) VCF-style: chr2-74600062-C-T.
Other names: c.44G>A, p.Arg15Gln (NM_001135041.3, NM_023019.4); c.425G>A, p.Arg142Gln (NM_001190837.2); c.395G>A, p.Arg132Gln (NM_001378991.1); c.377G>A, p.Arg126Gln (NM_001378992.1); c.343-1207G>A (NM_001190836.2); c.394-1207G>A (NM_001135040.3); short protein forms R15Q, R149Q, R142Q, R126Q, R132Q.
Identifiers: ClinVar variation 565725 (VCV000565725.16), dbSNP rs149447433, ClinGen allele CA1722416.